The following is an entry in ClinVar:

ClinVar aggregate classification (germline): Pathogenic. Review status: criteria provided, single submitter (1 of 4 stars). 2 submissions from 2 submitters: Pathogenic (1). 1 of the submissions does not count toward it. Last evaluated 2023-10-05.

Conditions:
Joubert syndrome 24 (JBTS24). Identifiers: Orphanet 475, MedGen C4084841, MONDO:0014724, OMIM 616654.
Meckel-Gruber syndrome. Also called: Dysencephalia splachnocystica; DYSENCEPHALIA SPLANCHNOCYSTICA; GRUBER SYNDROME. Identifiers: Orphanet 564, MedGen C0265215, MONDO:0018921.
Joubert syndrome. Also called: CEREBELLOPARENCHYMAL DISORDER IV; JOUBERT-BOLTSHAUSER SYNDROME; Familial aplasia of the vermis. Identifiers: Orphanet 475, MedGen C5979921, MONDO:0018772.

Allele frequency attached by ClinVar (database versions not stated): gnomAD exomes below 0.00001.
gnomAD v4.1: 2 of 1,614,156 alleles (0.00012%); highest among the groups gnomAD compares: East Asian, 0.0022%; no homozygotes.

Submissions (2):

Labcorp Genetics (formerly Invitae), Labcorp
Classification: Pathogenic for Joubert syndrome; Meckel-Gruber syndrome. Last evaluated: 2023-10-05. Review status: criteria provided, single submitter. Criteria: Invitae Variant Classification Sherloc (09022015). Collection method: clinical testing. Allele origin: germline.
Comment: This sequence change creates a premature translational stop signal (p.Gln625*) in the TCTN2 gene. It is expected to result in an absent or disrupted protein product. Loss-of-function variants in TCTN2 are known to be pathogenic (PMID: 21565611). This variant is not present in population databases (gnomAD no frequency). This premature translational stop signal has been observed in individual(s) with Joubert syndrome (PMID: 21565611). ClinVar contains an entry for this variant (Variation ID: 218100). For these reasons, this variant has been classified as Pathogenic.

OMIM
Classification: Pathogenic for JOUBERT SYNDROME 24. Last evaluated: 2011-05-13. Review status: no assertion criteria provided. Collection method: literature only. Allele origin: germline. Not counted in ClinVar's aggregate classification.

Literature cited by the submitters: PubMed 21565611 (cited by Labcorp Genetics (formerly Invitae), Labcorp and OMIM).

NM_024809.5(TCTN2):c.1873C>T (p.Gln625Ter)

Gene: TCTN2 (tectonic family member 2; plus strand). Cytogenetic location: 12q24.31.
Variant type: single nucleotide variant.
Coding change: c.1873C>T on transcript NM_024809.5 (MANE Select); coding-DNA position 1873, C replaced by T.
Protein change: p.Gln625Ter; replaces glutamine 625 with a stop codon.
Molecular consequence: nonsense.
Genome position (GRCh38, 1-based): chr12:123,706,829, C>T. VCF-style: chr12-123706829-C-T. GRCh37 (hg19) VCF-style: chr12-124191376-C-T.
Other names: c.1870C>T, p.Gln624Ter (NM_001143850.3); short protein forms Q625*, Q624*.
Identifiers: ClinVar variation 218100 (VCV000218100.4), dbSNP rs863225426, ClinGen allele CA279864.